The following is an entry in ClinVar:

NM_203447.4(DOCK8):c.4625G>T (p.Ser1542Ile)

Gene: DOCK8 (dedicator of cytokinesis 8; plus strand). Cytogenetic location: 9p24.3.
Variant type: single nucleotide variant.
Coding change: c.4625G>T on transcript NM_203447.4 (MANE Select); coding-DNA position 4625, G replaced by T.
Protein change: p.Ser1542Ile; replaces serine 1542 with isoleucine.
Molecular consequence: missense variant.
Genome position (GRCh38, 1-based): chr9:429,853, G>T. VCF-style: chr9-429853-G-T. GRCh37 (hg19) VCF-style: chr9-429853-G-T.
Other names: c.4325G>T, p.Ser1442Ile (NM_001190458.2); c.4421G>T, p.Ser1474Ile (NM_001193536.2); short protein forms S1442I, S1474I, S1542I.
Identifiers: ClinVar variation 2780808 (VCV002780808.3), dbSNP rs2537334479, ClinGen allele CA372766556.

ClinVar aggregate classification (germline): Uncertain significance (1 of 4 stars; one submission).

Conditions:
Combined immunodeficiency due to DOCK8 deficiency (HIES2). Also called: HIES autosomal recessive; DOCK8 Deficiency; Hyper-IgE recurrent infection syndrome, autosomal recessive; HYPER-IgE RECURRENT INFECTION SYNDROME 2, AUTOSOMAL RECESSIVE; HYPER-IgE SYNDROME 2, AUTOSOMAL RECESSIVE, WITH RECURRENT INFECTIONS. Identifiers: Orphanet 217390, MedGen C4722305, MONDO:0009478, OMIM 243700.

Submission:

Labcorp Genetics (formerly Invitae), Labcorp
Classification: Uncertain significance for Combined immunodeficiency due to DOCK8 deficiency. Last evaluated: 2023-07-25. Review status: criteria provided, single submitter. Criteria: Invitae Variant Classification Sherloc (09022015). Collection method: clinical testing. Allele origin: germline.
Comment: In summary, the available evidence is currently insufficient to determine the role of this variant in disease. Therefore, it has been classified as a Variant of Uncertain Significance. An algorithm developed to predict the effect of missense changes on protein structure and function (PolyPhen-2) suggests that this variant is likely to be disruptive. This variant has not been reported in the literature in individuals affected with DOCK8-related conditions. This variant is not present in population databases (gnomAD no frequency). This sequence change replaces serine, which is neutral and polar, with isoleucine, which is neutral and non-polar, at codon 1542 of the DOCK8 protein (p.Ser1542Ile).